The following is an entry in ClinVar:

ClinVar aggregate classification (germline): Benign/Likely benign. Review status: criteria provided, multiple submitters, no conflicts (2 of 4 stars). 4 submissions from 4 submitters: Benign (1); Likely benign (2). 1 of the submissions does not count toward it. Last evaluated 2026-09-01.

Conditions:
CNOT1-related disorder. Also called: CNOT1-related condition.

Allele frequency attached by ClinVar (database versions not stated): gnomAD exomes 0.00007; ExAC 0.00022; ESP Exome Variant Server 0.00062; gnomAD 0.00062; TOPMed 0.00068; 1000 Genomes Project 0.00080; 1000 Genomes Project 30x 0.00094.
gnomAD v4.1: 210 of 1,610,988 alleles (0.013%); highest among the groups gnomAD compares: African/African-American, 0.22%; no homozygotes.

Submissions (4):

CeGaT Center for Human Genetics Tuebingen
Classification: Likely benign. Last evaluated: 2026-09-01. Review status: criteria provided, single submitter. Criteria: CeGaT Center For Human Genetics Tuebingen Variant Classification Criteria Version 2. Collection method: clinical testing. Allele origin: germline. Affected: yes. Observed: 1 variant allele.
Comment: CNOT1: BP4, BS1

Labcorp Genetics (formerly Invitae), Labcorp
Classification: Benign. Last evaluated: 2025-07-31. Review status: criteria provided, single submitter. Criteria: Invitae Variant Classification Sherloc (09022015). Collection method: clinical testing. Allele origin: germline.

Blueprint Genetics
Classification: Likely benign. Last evaluated: 2024-10-14. Review status: criteria provided, single submitter. Criteria: ACMG Guidelines, 2015. Collection method: clinical testing. Allele origin: germline.

PreventionGenetics, part of Exact Sciences
Classification: Likely benign for CNOT1-related condition. Last evaluated: 2019-07-16. Review status: no assertion criteria provided. Collection method: clinical testing. Allele origin: germline. Not counted in ClinVar's aggregate classification.
Comment: This variant is classified as likely benign based on ACMG/AMP sequence variant interpretation guidelines (Richards et al. 2015 PMID: 25741868, with internal and published modifications).

NM_016284.5(CNOT1):c.2613A>G (p.Glu871=)

Gene: CNOT1 (CCR4-NOT transcription complex subunit 1; minus strand). Cytogenetic location: 16q21.
Variant type: single nucleotide variant.
Coding change: c.2613A>G on transcript NM_016284.5 (MANE Select); coding-DNA position 2613, A replaced by G.
Protein change: p.Glu871=; no amino-acid change (glutamic acid 871 retained).
Molecular consequence: synonymous variant. On other transcripts: non-coding transcript variant (1).
Genome position (GRCh38, 1-based): chr16:58,555,529, T>C on the plus strand (A>G on the coding strand, the complement: CNOT1 is on the minus strand). VCF-style: chr16-58555529-T-C. GRCh37 (hg19) VCF-style: chr16-58589433-T-C.
Other names: c.2598A>G, p.Glu866= (NM_001265612.2); c.2613A>G, p.Glu871= (NM_206999.3); c.2613A>G (NM_016284.4).
Identifiers: ClinVar variation 2052173 (VCV002052173.8), dbSNP rs148921058, ClinGen allele CA8089594.
Genomic context (GRCh38, chr16:58,555,529, plus strand): 5'-CATACAGTTAAATACTTCTCGTTCCCTCTTTATAGTAGAGTCTTTAAATCTCTGCAGCAT[T>C]TCTAATACCTGGAAAAGCAAGACAAAAACAACGCACACATAAAGGAAACAATTACTAAGA-3'
Protein context (NP_057368.3, residues 861-881): HPTMSVDEVL[Glu871=]MLQRFKDSTI